The following is an entry in ClinVar:

ClinVar aggregate classification (germline): Likely benign (0 of 4 stars; one submission).

Conditions:
MKS1-related disorder. Also called: MKS1-related condition; MKS1-related disorders. Identifiers: MedGen CN239382.

Submission:

PreventionGenetics, part of Exact Sciences
Classification: Likely benign for MKS1-related condition. Last evaluated: 2022-09-09. Review status: no assertion criteria provided. Collection method: clinical testing. Allele origin: germline.
Comment: This variant is classified as likely benign based on ACMG/AMP sequence variant interpretation guidelines (Richards et al. 2015 PMID: 25741868, with internal and published modifications).

NM_017777.4(MKS1):c.1230C>T (p.Tyr410=)

Gene: MKS1 (MKS transition zone complex subunit 1; minus strand). Cytogenetic location: 17q22.
Variant type: single nucleotide variant.
Coding change: c.1230C>T on transcript NM_017777.4 (MANE Select); coding-DNA position 1230, C replaced by T.
Protein change: p.Tyr410=; no amino-acid change (tyrosine 410 retained).
Molecular consequence: synonymous variant.
Genome position (GRCh38, 1-based): chr17:58,207,937, G>A on the plus strand (C>T on the coding strand, the complement: MKS1 is on the minus strand). VCF-style: chr17-58207937-G-A. GRCh37 (hg19) VCF-style: chr17-56285298-G-A.
Other names: c.621C>T, p.Tyr207= (NM_001321268.2); c.1230C>T, p.Tyr410= (NM_001321269.2, NM_001330397.2, NM_001411113.1).
Identifiers: ClinVar variation 3353325 (VCV003353325.1).